The following is an entry in ClinVar:

NM_000051.4(ATM):c.2466+1G>A

Gene: ATM (ATM serine/threonine kinase; plus strand). Cytogenetic location: 11q22.3.
Variant type: single nucleotide variant.
Coding change: c.2466+1G>A on transcript NM_000051.4 (MANE Select); the canonical splice donor site of the intron after coding-DNA position 2466, G replaced by A.
Molecular consequence: splice donor variant.
Genome position (GRCh38, 1-based): chr11:108,259,076, G>A. VCF-style: chr11-108259076-G-A. GRCh37 (hg19) VCF-style: chr11-108129803-G-A.
Other names: c.2466+1G>A (NM_001351834.2).
Identifiers: ClinVar variation 453414 (VCV000453414.17), dbSNP rs914092098, ClinGen allele CA228399971.

ClinVar aggregate classification (germline): Pathogenic/Likely pathogenic. Review status: criteria provided, multiple submitters, no conflicts (2 of 4 stars). 5 submissions from 5 submitters: Pathogenic (3); Likely pathogenic (2). Last evaluated 2025-04-22.

Conditions:
Hereditary cancer-predisposing syndrome. Also called: Tumor predisposition; Hereditary Cancer Syndrome; Neoplastic Syndromes, Hereditary; Hereditary neoplastic syndrome. Identifiers: Orphanet 140162, MedGen C0027672, MeSH D009386, MONDO:0015356.
Familial cancer of breast. Also called: Hereditary breast cancer; hereditary breast carcinoma; BREAST CANCER, FAMILIAL. Identifiers: Orphanet 227535, MedGen C0346153, MONDO:0016419, OMIM 114480. Disease mechanism: loss of function.
Ataxia-telangiectasia syndrome (AT). Also called: Cerebello-oculocutaneous telangiectasia; Immunodeficiency with ataxia telangiectasia; Ataxia-telangiectasia, complementation group D; AT, COMPLEMENTATION GROUP C; Ataxia-telangiectasia, complementation group E; LOUIS-BAR SYNDROME. Identifiers: Orphanet 100, MedGen C0004135, MONDO:0008840, OMIM 208900.

Allele frequency attached by ClinVar (database versions not stated): TOPMed below 0.00001.
gnomAD v4.1: 1 of 1,609,176 alleles (0.000062%); no homozygotes.

Submissions (5):

Labcorp Genetics (formerly Invitae), Labcorp
Classification: Pathogenic for Ataxia-telangiectasia syndrome. Last evaluated: 2025-04-22. Review status: criteria provided, single submitter. Criteria: Invitae Variant Classification Sherloc (09022015). Collection method: clinical testing. Allele origin: germline.
Comment: This sequence change affects a donor splice site in intron 16 of the ATM gene. RNA analysis indicates that disruption of this splice site induces altered splicing and likely results in a shortened protein product. This variant is not present in population databases (gnomAD no frequency). Disruption of this splice site has been observed in individual(s) with clinical features of ataxia-telangiectasia (PMID: 10330348; internal data). ClinVar contains an entry for this variant (Variation ID: 453414). Studies have shown that disruption of this splice site results in skipping of exon 16 (also known as exon 18), but is expected to preserve the integrity of the reading-frame (PMID: 10330348). For these reasons, this variant has been classified as Pathogenic.

Ambry Genetics
Classification: Likely pathogenic for Hereditary cancer-predisposing syndrome. Last evaluated: 2025-01-03. Review status: criteria provided, single submitter. Criteria: Ambry Variant Classification Scheme 2023. Collection method: clinical testing. Allele origin: germline.
Comment: The c.2466+1G>A intronic variant results from a G to A substitution one nucleotide after coding exon 15 of the ATM gene. This alteration was reported in a patient with a clinical diagnosis of ataxia-telangiectasia (A-T) with second mutation not identified (Teraoka SN et al. Am. J. Hum. Genet., 1999 Jun;64:1617-31). In addition, another alteration impacting the same donor site (c.2466+1delG) has been described in an individual with A-T in conjunctions with another pathogenic ATM mutation (Cavalieri S, Ann. Hum. Genet. 2008 Jan; 72(Pt 1):10-8). This variant is also known as IVS18+1G>A in the literature This nucleotide position is highly conserved in available vertebrate species. In silico splice site analysis predicts that this alteration will weaken the native splice donor site. RNA studies have demonstrated that this alteration results in abnormal splicing in the set of samples tested (Ambry internal data). Based on the majority of available evidence to date, this variant is likely to be pathogenic.

Color Diagnostics, LLC DBA Color Health
Classification: Pathogenic for Hereditary cancer-predisposing syndrome. Last evaluated: 2024-09-18. Review status: criteria provided, single submitter. Criteria: ACMG Guidelines, 2015. Collection method: clinical testing. Allele origin: germline.
Comment: This variant, also known as IVS18+1G>A, causes a G to A nucleotide substitution at the +1 position of intron 16 of the ATM gene. Splice site prediction tools predict that this variant may have a significant impact on RNA splicing. RNA studies have shown that this variant causes in-frame exon 16 (also known as exon 18) skipping in the HEAT repeat domain (PMID: 10330348; ClinVar Accession: SCV002731670.2). This variant has been reported in individuals affected with ataxia-telangiectasia (second allele not specified), early-onset breast cancer, and renal cell carcinoma (PMID: 10330348, 39021548, 35441217; ClinVar Accession: SCV000622330.8). This variant has not been identified in the general population by the Genome Aggregation Database (gnomAD). A different variant impacting the same splice site, c.2466+1del, is known to be disease-causing (ClinVar Variation ID: 186216). Loss of ATM function is a known mechanism of disease. Based on the available evidence, this variant is classified as Pathogenic.

Myriad Genetics, Inc.
Classification: Likely pathogenic for Familial cancer of breast. Last evaluated: 2024-04-22. Review status: criteria provided, single submitter. Criteria: Myriad Autosomal Dominant, Autosomal Recessive and X-Linked Classification Criteria (2023). Collection method: clinical testing. Allele origin: unknown.
Comment: This variant is considered likely pathogenic. This variant occurs within a consensus splice junction and is predicted to result in abnormal mRNA splicing of either an out-of-frame exon or an in-frame exon necessary for protein stability and/or normal function.

Baylor Genetics
Classification: Pathogenic for Familial cancer of breast. Last evaluated: 2024-03-14. Review status: criteria provided, single submitter. Criteria: ACMG Guidelines, 2015. Collection method: clinical testing. Allele origin: unknown.

Literature cited by the submitters: PubMed 10330348 (cited by 3 submitters); PubMed 35441217 (cited by Color Diagnostics, LLC DBA Color Health); PubMed 39021548 (cited by Color Diagnostics, LLC DBA Color Health).